The following is an entry in ClinVar:

NM_001041.4(SI):c.1020+6T>C

Gene: SI (sucrase-isomaltase; minus strand). Cytogenetic location: 3q26.1.
Variant type: single nucleotide variant.
Coding change: c.1020+6T>C on transcript NM_001041.4 (MANE Select); 6 bases into the intron after coding-DNA position 1020, T replaced by C.
Molecular consequence: intron variant.
Genome position (GRCh38, 1-based): chr3:165,062,365, A>G on the plus strand (T>C on the coding strand, the complement: SI is on the minus strand). VCF-style: chr3-165062365-A-G. GRCh37 (hg19) VCF-style: chr3-164780153-A-G.
Identifiers: ClinVar variation 3681330 (VCV003681330.2).

ClinVar aggregate classification (germline): Uncertain significance (1 of 4 stars; one submission).

Submission:

Labcorp Genetics (formerly Invitae), Labcorp
Classification: Uncertain significance. Last evaluated: 2024-06-25. Review status: criteria provided, single submitter. Criteria: Invitae Variant Classification Sherloc (09022015). Collection method: clinical testing. Allele origin: germline.
Comment: This sequence change falls in intron 9 of the SI gene. It does not directly change the encoded amino acid sequence of the SI protein. It affects a nucleotide within the consensus splice site. This variant is present in population databases (rs770823930, gnomAD 0.02%). This variant has not been reported in the literature in individuals affected with SI-related conditions. Variants that disrupt the consensus splice site are a relatively common cause of aberrant splicing (PMID: 17576681, 9536098). Algorithms developed to predict the effect of sequence changes on RNA splicing suggest that this variant is not likely to affect RNA splicing. In summary, the available evidence is currently insufficient to determine the role of this variant in disease. Therefore, it has been classified as a Variant of Uncertain Significance.

Literature cited by the submitters: PubMed 17576681; PubMed 9536098.